The following is an entry in ClinVar:

NM_198525.3(KIF7):c.2828T>A (p.Leu943Gln)

Gene: KIF7 (kinesin family member 7; minus strand). Cytogenetic location: 15q26.1.
Variant type: single nucleotide variant.
Coding change: c.2828T>A on transcript NM_198525.3 (MANE Select); coding-DNA position 2828, T replaced by A.
Protein change: p.Leu943Gln; replaces leucine 943 with glutamine.
Molecular consequence: missense variant.
Genome position (GRCh38, 1-based): chr15:89,632,887, A>T on the plus strand (T>A on the coding strand, the complement: KIF7 is on the minus strand). VCF-style: chr15-89632887-A-T. GRCh37 (hg19) VCF-style: chr15-90176118-A-T.
Other names: c.2828T>A (NM_198525.2); short protein forms L943Q.
Identifiers: ClinVar variation 1396826 (VCV001396826.10), dbSNP rs375079629, ClinGen allele CA274567864.

ClinVar aggregate classification (germline): Uncertain significance. Review status: criteria provided, multiple submitters, no conflicts (2 of 4 stars). 3 submissions from 3 submitters: Uncertain significance (3). Last evaluated 2024-05-16.

Conditions:
Inborn genetic diseases. Identifiers: MedGen C0950123, MeSH D030342.
Acrocallosal syndrome (ACLS). Also called: Schinzel syndrome 1; Absence of corpus callosum with unusual facial appearance, mental deficiency, duplication of the halluces and polydactyly; HALLUX DUPLICATION, POSTAXIAL POLYDACTYLY, AND ABSENCE OF CORPUS CALLOSUM. Identifiers: Orphanet 36, MedGen C0796147, MONDO:0008708, OMIM 200990.

Allele frequency attached by ClinVar (database versions not stated): gnomAD exomes below 0.00001; gnomAD 0.00001; TOPMed 0.00002; ESP Exome Variant Server 0.00008.
gnomAD v4.1: 6 of 1,610,414 alleles (0.00037%); highest among the groups gnomAD compares: African/African-American, 0.0013%; no homozygotes.

Submissions (3):

Blueprint Genetics
Classification: Uncertain significance. Last evaluated: 2024-05-16. Review status: criteria provided, single submitter. Criteria: ACMG Guidelines, 2015. Collection method: clinical testing. Allele origin: germline.

Ambry Genetics
Classification: Uncertain significance for Inborn genetic diseases. Last evaluated: 2023-10-14. Review status: criteria provided, single submitter. Criteria: Ambry Variant Classification Scheme 2023. Collection method: clinical testing. Allele origin: germline.

Labcorp Genetics (formerly Invitae), Labcorp
Classification: Uncertain significance for Acrocallosal syndrome. Last evaluated: 2022-10-03. Review status: criteria provided, single submitter. Criteria: Invitae Variant Classification Sherloc (09022015). Collection method: clinical testing. Allele origin: germline.
Comment: Advanced modeling of protein sequence and biophysical properties (such as structural, functional, and spatial information, amino acid conservation, physicochemical variation, residue mobility, and thermodynamic stability) performed at Invitae indicates that this missense variant is not expected to disrupt KIF7 protein function. This sequence change replaces leucine, which is neutral and non-polar, with glutamine, which is neutral and polar, at codon 943 of the KIF7 protein (p.Leu943Gln). This variant is present in population databases (rs375079629, gnomAD 0.007%). This variant has not been reported in the literature in individuals affected with KIF7-related conditions. ClinVar contains an entry for this variant (Variation ID: 1396826). In summary, the available evidence is currently insufficient to determine the role of this variant in disease. Therefore, it has been classified as a Variant of Uncertain Significance.